The following is an entry in ClinVar:

NM_001371986.1(UNC80):c.7228A>G (p.Ser2410Gly)

Gene: UNC80 (unc-80 homolog, NALCN channel complex subunit; plus strand). Cytogenetic location: 2q34.
Variant type: single nucleotide variant.
Coding change: c.7228A>G on transcript NM_001371986.1 (MANE Select); coding-DNA position 7228, A replaced by G.
Protein change: p.Ser2410Gly; replaces serine 2410 with glycine.
Molecular consequence: missense variant.
Genome position (GRCh38, 1-based): chr2:209,945,885, A>G. VCF-style: chr2-209945885-A-G. GRCh37 (hg19) VCF-style: chr2-210810609-A-G.
Other names: c.7030A>G, p.Ser2344Gly (NM_032504.2); c.7015A>G, p.Ser2339Gly (NM_182587.4); short protein forms S2339G, S2344G, S2410G.
Identifiers: ClinVar variation 1352238 (VCV001352238.5), dbSNP rs2124984318, ClinGen allele CA350774266.

ClinVar aggregate classification (germline): Uncertain significance (1 of 4 stars; one submission).

Allele frequency attached by ClinVar (database versions not stated): gnomAD exomes below 0.00001.
gnomAD v4.1: 1 of 1,552,022 alleles (0.000064%); highest among the groups gnomAD compares: East Asian, 0.0024%; no homozygotes.

Submission:

Labcorp Genetics (formerly Invitae), Labcorp
Classification: Uncertain significance. Last evaluated: 2022-07-06. Review status: criteria provided, single submitter. Criteria: Invitae Variant Classification Sherloc (09022015). Collection method: clinical testing. Allele origin: germline.
Comment: This sequence change replaces serine, which is neutral and polar, with glycine, which is neutral and non-polar, at codon 2344 of the UNC80 protein (p.Ser2344Gly). This variant is not present in population databases (gnomAD no frequency). This variant has not been reported in the literature in individuals affected with UNC80-related conditions. ClinVar contains an entry for this variant (Variation ID: 1352238). Algorithms developed to predict the effect of missense changes on protein structure and function are either unavailable or do not agree on the potential impact of this missense change (SIFT: "Not Available"; PolyPhen-2: "Probably Damaging"; Align-GVGD: "Not Available"). In summary, the available evidence is currently insufficient to determine the role of this variant in disease. Therefore, it has been classified as a Variant of Uncertain Significance.